The following is an entry in ClinVar:

ClinVar aggregate classification (germline): Uncertain significance. Review status: criteria provided, multiple submitters, no conflicts (2 of 4 stars). 4 submissions from 4 submitters: Uncertain significance (2). 2 of the submissions do not count toward it. Last evaluated 2024-06-03.

Conditions:
CEP290-related disorder. Also called: CEP290-related condition; CEP290-related disorders. Identifiers: MedGen CN239314.
Meckel-Gruber syndrome. Also called: DYSENCEPHALIA SPLANCHNOCYSTICA; GRUBER SYNDROME; Dysencephalia splachnocystica. Identifiers: Orphanet 564, MedGen C0265215, MONDO:0018921.
Nephronophthisis. Also called: Juvenile Nephronophthisis. Identifiers: Orphanet 655, MedGen C0687120, MONDO:0019005, HP:0000090.
Joubert syndrome. Also called: CEREBELLOPARENCHYMAL DISORDER IV; JOUBERT-BOLTSHAUSER SYNDROME; Familial aplasia of the vermis. Identifiers: Orphanet 475, MedGen C5979921, MONDO:0018772.
Senior-Loken syndrome 6 (SLSN6). Identifiers: Orphanet 3156, MedGen C1857779, MONDO:0012433, OMIM 610189.
Leber congenital amaurosis 10 (LCA10). Identifiers: Orphanet 65, MedGen C1857821, MONDO:0012723, OMIM 611755.
Bardet-Biedl syndrome 14 (BBS14). Identifiers: Orphanet 110, MedGen C2673874, MONDO:0014442, OMIM 615991.
Meckel syndrome, type 4 (MKS4). Also called: MECKEL-GRUBER SYNDROME, TYPE 4. Identifiers: Orphanet 564, MedGen C1970161, MONDO:0012626, OMIM 611134.
Joubert syndrome 5 (JBTS5). Identifiers: Orphanet 2318, MedGen C1857780, MONDO:0012432, OMIM 610188.
Leber congenital amaurosis (LCA). Also called: Leber's amaurosis. Identifiers: Orphanet 65, MedGen C0339527, MeSH D057130, MONDO:0018998.

Allele frequency attached by ClinVar (database versions not stated): TOPMed 0.00007; ESP Exome Variant Server 0.00008; 1000 Genomes Project 30x 0.00016; 1000 Genomes Project 0.00020; gnomAD exomes below 0.00001 and 0.00002; ExAC 0.00003; gnomAD 0.00007.
gnomAD v4.1: 18 of 1,613,924 alleles (0.0011%); highest among the groups gnomAD compares: African/African-American, 0.023%; no homozygotes.

Submissions (4):

Fulgent Genetics
Classification: Uncertain significance for Joubert syndrome 5; Senior-Loken syndrome 6; Meckel syndrome, type 4; Leber congenital amaurosis 10; Bardet-Biedl syndrome 14. Last evaluated: 2024-06-03. Review status: criteria provided, single submitter. Criteria: ACMG Guidelines, 2015. Collection method: clinical testing. Allele origin: germline.

Labcorp Genetics (formerly Invitae), Labcorp
Classification: Uncertain significance for Joubert syndrome; Meckel-Gruber syndrome; Nephronophthisis. Last evaluated: 2024-05-06. Review status: criteria provided, single submitter. Criteria: Invitae Variant Classification Sherloc (09022015). Collection method: clinical testing. Allele origin: germline.
Comment: This sequence change replaces alanine, which is neutral and non-polar, with threonine, which is neutral and polar, at codon 1260 of the CEP290 protein (p.Ala1260Thr). This variant is present in population databases (rs375609644, gnomAD 0.03%). This variant has not been reported in the literature in individuals affected with CEP290-related conditions. ClinVar contains an entry for this variant (Variation ID: 853936). Advanced modeling of protein sequence and biophysical properties (such as structural, functional, and spatial information, amino acid conservation, physicochemical variation, residue mobility, and thermodynamic stability) performed at Invitae indicates that this missense variant is not expected to disrupt CEP290 protein function with a negative predictive value of 80%. In summary, the available evidence is currently insufficient to determine the role of this variant in disease. Therefore, it has been classified as a Variant of Uncertain Significance.

PreventionGenetics, part of Exact Sciences
Classification: Uncertain significance for CEP290-related condition. Last evaluated: 2024-04-22. Review status: no assertion criteria provided. Collection method: clinical testing. Allele origin: germline. Not counted in ClinVar's aggregate classification.
Comment: The CEP290 c.3778G>A variant is predicted to result in the amino acid substitution p.Ala1260Thr. To our knowledge, this variant has not been reported in the literature. This variant is reported in 0.029% of alleles in individuals of African descent in gnomAD. At this time, the clinical significance of this variant is uncertain due to the absence of conclusive functional and genetic evidence.

Natera, Inc.
Classification: Uncertain significance for Leber congenital amaurosis. Last evaluated: 2021-05-19. Review status: no assertion criteria provided. Collection method: clinical testing. Allele origin: germline. Not counted in ClinVar's aggregate classification.

NM_025114.4(CEP290):c.3778G>A (p.Ala1260Thr)

Gene: CEP290 (centrosomal protein 290; minus strand). Cytogenetic location: 12q21.32.
Variant type: single nucleotide variant.
Coding change: c.3778G>A on transcript NM_025114.4 (MANE Select); coding-DNA position 3778, G replaced by A.
Protein change: p.Ala1260Thr; replaces alanine 1260 with threonine.
Molecular consequence: missense variant.
Genome position (GRCh38, 1-based): chr12:88,089,283, C>T on the plus strand (G>A on the coding strand, the complement: CEP290 is on the minus strand). VCF-style: chr12-88089283-C-T. GRCh37 (hg19) VCF-style: chr12-88483060-C-T.
Other names: short protein forms A1260T.
Identifiers: ClinVar variation 853936 (VCV000853936.14), dbSNP rs375609644, ClinGen allele CA6712087.